The following is an entry in ClinVar:

ClinVar aggregate classification (germline): Uncertain significance (1 of 4 stars; one submission).

Conditions:
Primary ciliary dyskinesia. Also called: Ciliary dyskinesia. Identifiers: Orphanet 244, MedGen C0008780, MONDO:0016575, HP:0012265.

Submission:

Labcorp Genetics (formerly Invitae), Labcorp
Classification: Uncertain significance for Primary ciliary dyskinesia. Last evaluated: 2024-05-07. Review status: criteria provided, single submitter. Criteria: Invitae Variant Classification Sherloc (09022015). Collection method: clinical testing. Allele origin: germline.
Comment: This sequence change replaces glutamic acid, which is acidic and polar, with glycine, which is neutral and non-polar, at codon 402 of the DNAAF1 protein (p.Glu402Gly). This variant is not present in population databases (gnomAD no frequency). This variant has not been reported in the literature in individuals affected with DNAAF1-related conditions. Algorithms developed to predict the effect of missense changes on protein structure and function output the following: SIFT: "Not Available"; PolyPhen-2: "Benign"; Align-GVGD: "Not Available". The glycine amino acid residue is found in multiple mammalian species, which suggests that this missense change does not adversely affect protein function. In summary, the available evidence is currently insufficient to determine the role of this variant in disease. Therefore, it has been classified as a Variant of Uncertain Significance.

NM_178452.6(DNAAF1):c.1205A>G (p.Glu402Gly)

Gene: DNAAF1 (dynein axonemal assembly factor 1; plus strand). Cytogenetic location: 16q24.1.
Variant type: single nucleotide variant.
Coding change: c.1205A>G on transcript NM_178452.6 (MANE Select); coding-DNA position 1205, A replaced by G.
Protein change: p.Glu402Gly; replaces glutamic acid 402 with glycine.
Molecular consequence: missense variant.
Genome position (GRCh38, 1-based): chr16:84,170,033, A>G. VCF-style: chr16-84170033-A-G. GRCh37 (hg19) VCF-style: chr16-84203639-A-G.
Other names: c.497A>G, p.Glu166Gly (NM_001318756.1); short protein forms E166G, E402G.
Identifiers: ClinVar variation 3682805 (VCV003682805.2).
Genomic context (GRCh38, chr16:84,170,033, plus strand): 5'-GCTTTGAGGCCAAGGACGAGCTCTGCCCGGAAAAGCCAAGTGGAGAGGAGCCGCCTGTGG[A>G]GGCTAAAAGAGAGGATGGAGGTCCAGAGCCAGAGGGGACCCTCCCAGCTGAGACCCTGCT-3'
Protein context (NP_848547.4, residues 392-412): EKPSGEEPPV[Glu402Gly]AKREDGGPEP